The following is an entry in ClinVar:

NM_005219.5(DIAPH1):c.2018C>T (p.Thr673Ile)

Gene: DIAPH1 (diaphanous related formin 1; minus strand). Cytogenetic location: 5q31.3.
Variant type: single nucleotide variant.
Coding change: c.2018C>T on transcript NM_005219.5 (MANE Select); coding-DNA position 2018, C replaced by T.
Protein change: p.Thr673Ile; replaces threonine 673 with isoleucine.
Molecular consequence: missense variant.
Genome position (GRCh38, 1-based): chr5:141,573,832, G>A on the plus strand (C>T on the coding strand, the complement: DIAPH1 is on the minus strand). VCF-style: chr5-141573832-G-A. GRCh37 (hg19) VCF-style: chr5-140953399-G-A.
Other names: c.1991C>T, p.Thr664Ile (NM_001079812.3); c.2018C>T, p.Thr673Ile (NM_001314007.2); short protein forms T664I, T673I.
Identifiers: ClinVar variation 1475017 (VCV001475017.8), dbSNP rs13174988, ClinGen allele CA361519081.

ClinVar aggregate classification (germline): Uncertain significance (1 of 4 stars; one submission).

Conditions:
Progressive microcephaly-seizures-cortical blindness-developmental delay syndrome. Also called: Seizures, cortical blindness, and microcephaly syndrome. Identifiers: Orphanet 477814, MedGen C5567650, MONDO:0014714, OMIM 616632.
Autosomal dominant nonsyndromic hearing loss 1. Also called: KONIGSMARK SYNDROME; DEAFNESS, AUTOSOMAL DOMINANT 1, WITH OR WITHOUT THROMBOCYTOPENIA. Identifiers: Orphanet 90635, MedGen C1852282, MONDO:0007424, OMIM 124900.

Allele frequency attached by ClinVar (database versions not stated): gnomAD exomes below 0.00001; TOPMed 0.00001.

Submission:

Labcorp Genetics (formerly Invitae), Labcorp
Classification: Uncertain significance for Progressive microcephaly-seizures-cortical blindness-developmental delay syndrome; Autosomal dominant nonsyndromic hearing loss 1. Last evaluated: 2025-04-23. Review status: criteria provided, single submitter. Criteria: Invitae Variant Classification Sherloc (09022015). Collection method: clinical testing. Allele origin: germline.
Comment: This sequence change replaces threonine, which is neutral and polar, with isoleucine, which is neutral and non-polar, at codon 673 of the DIAPH1 protein (p.Thr673Ile). This variant is not present in population databases (gnomAD no frequency). This variant has not been reported in the literature in individuals affected with DIAPH1-related conditions. ClinVar contains an entry for this variant (Variation ID: 1475017). Experimental studies and prediction algorithms are not available or were not evaluated, and the functional significance of this variant is currently unknown. In summary, the available evidence is currently insufficient to determine the role of this variant in disease. Therefore, it has been classified as a Variant of Uncertain Significance.